The following is an entry in ClinVar:

NM_020461.4(TUBGCP6):c.3949T>C (p.Cys1317Arg)

Gene: TUBGCP6 (tubulin gamma complex component 6; minus strand). Cytogenetic location: 22q13.33.
Variant type: single nucleotide variant.
Coding change: c.3949T>C on transcript NM_020461.4 (MANE Select); coding-DNA position 3949, T replaced by C.
Protein change: p.Cys1317Arg; replaces cysteine 1317 with arginine.
Molecular consequence: missense variant.
Genome position (GRCh38, 1-based): chr22:50,220,410, A>G on the plus strand (T>C on the coding strand, the complement: TUBGCP6 is on the minus strand). VCF-style: chr22-50220410-A-G. GRCh37 (hg19) VCF-style: chr22-50658839-A-G.
Other names: short protein forms C1317R.
Identifiers: ClinVar variation 1363370 (VCV001363370.5), dbSNP rs774824924, ClinGen allele CA10307778.

ClinVar aggregate classification (germline): Uncertain significance (1 of 4 stars; one submission).

Allele frequency attached by ClinVar (database versions not stated): gnomAD exomes below 0.00001 and 0.00002; gnomAD 0.00001; ExAC 0.00002; TOPMed 0.00002.
gnomAD v4.1: 3 of 1,584,050 alleles (0.00019%); highest among the groups gnomAD compares: African/African-American, 0.0027%; no homozygotes.

Submission:

Labcorp Genetics (formerly Invitae), Labcorp
Classification: Uncertain significance. Last evaluated: 2022-06-27. Review status: criteria provided, single submitter. Criteria: Invitae Variant Classification Sherloc (09022015). Collection method: clinical testing. Allele origin: germline.
Comment: This sequence change replaces cysteine, which is neutral and slightly polar, with arginine, which is basic and polar, at codon 1317 of the TUBGCP6 protein (p.Cys1317Arg). This variant is present in population databases (rs774824924, gnomAD 0.007%). This variant has not been reported in the literature in individuals affected with TUBGCP6-related conditions. Algorithms developed to predict the effect of missense changes on protein structure and function output the following: SIFT: "Tolerated"; PolyPhen-2: "Benign"; Align-GVGD: "Class C0". The arginine amino acid residue is found in multiple mammalian species, which suggests that this missense change does not adversely affect protein function. In summary, the available evidence is currently insufficient to determine the role of this variant in disease. Therefore, it has been classified as a Variant of Uncertain Significance.